The following is an entry in ClinVar:

ClinVar aggregate classification (germline): Benign (1 of 4 stars; one submission).

Conditions:
Papillary renal cell carcinoma type 1 (RCCP1). Also called: RENAL CELL CARCINOMA, PAPILLARY, 1, SOMATIC; Renal adenocarcinoma; Renal cell carcinoma 1; Renal cell carcinoma, somatic. Identifiers: Orphanet 47044, MedGen C1336839, OMIM 605074, HP:0011797.

Allele frequency attached by ClinVar (database versions not stated): gnomAD 0.00093 and 0.00117; TOPMed 0.00120; gnomAD exomes 0.00357; 1000 Genomes Project 0.00399; 1000 Genomes Project 30x 0.00422.

Submission:

Illumina Laboratory Services, Illumina
Classification: Benign for Papillary renal cell carcinoma type 1. Last evaluated: 2018-01-12. Review status: criteria provided, single submitter. Criteria: ICSL Variant Classification Criteria 13 December 2019. Collection method: clinical testing. Allele origin: germline.
Comment: This variant was observed in the ICSL laboratory as part of a predisposition screen in an ostensibly healthy population. It had not been previously curated by ICSL or reported in the Human Gene Mutation Database (HGMD: prior to June 1st, 2018), and was therefore a candidate for classification through an automated scoring system. Utilizing variant allele frequency, disease prevalence and penetrance estimates, and inheritance mode, an automated score was calculated to assess if this variant is too frequent to cause the disease. Based on the score and internal cut-off values, a variant classified as benign is not then subjected to further curation. The score for this variant resulted in a classification of benign for this disease.

NM_000245.4(MET):c.*602C>T

Gene: MET (MET proto-oncogene, receptor tyrosine kinase; plus strand). Cytogenetic location: 7q31.2.
Variant type: single nucleotide variant.
Coding change: c.*602C>T on transcript NM_000245.4 (MANE Select); 602 bases downstream of the stop codon, C replaced by T.
Molecular consequence: 3 prime UTR variant.
Genome position (GRCh38, 1-based): chr7:116,796,726, C>T. VCF-style: chr7-116796726-C-T. GRCh37 (hg19) VCF-style: chr7-116436780-C-T.
Other names: c.*602C>T (LRG_662t1, NM_001127500.3, NM_001324402.2).
Identifiers: ClinVar variation 358704 (VCV000358704.5), dbSNP rs147343288, ClinGen allele CA10628125.